The following is an entry in ClinVar:

NM_014694.4(ADAMTSL2):c.337C>T (p.Arg113Cys)

Gene: ADAMTSL2 (ADAMTS like 2; plus strand). Cytogenetic location: 9q34.2.
Variant type: single nucleotide variant.
Coding change: c.337C>T on transcript NM_014694.4 (MANE Select); coding-DNA position 337, C replaced by T.
Protein change: p.Arg113Cys; replaces arginine 113 with cysteine.
Molecular consequence: missense variant.
Genome position (GRCh38, 1-based): chr9:133,539,798, C>T. VCF-style: chr9-133539798-C-T. GRCh37 (hg19) VCF-style: chr9-136404920-C-T.
Other names: c.337C>T, p.Arg113Cys (NM_001145320.2); short protein forms R113C.
Identifiers: ClinVar variation 1164089 (VCV001164089.29), dbSNP rs1166449446, ClinGen allele CA375402392.

ClinVar aggregate classification (germline): Likely pathogenic. Review status: criteria provided, multiple submitters, no conflicts (2 of 4 stars). 2 submissions from 2 submitters: Likely pathogenic (2). Last evaluated 2022-10-11.

Conditions:
Geleophysic dysplasia 1 (GPHYSD1). Also called: Geleophysic dwarfism. Identifiers: Orphanet 2623, MedGen C3278147, MONDO:0009269, OMIM 231050.
Lethal short-limb skeletal dysplasia, Al Gazali type. Also called: Lethal neonatal short limb dwarfism. Identifiers: Orphanet 646136, MedGen C1832435, MONDO:0011051, OMIM 601356.

Allele frequency attached by ClinVar (database versions not stated): gnomAD exomes 0.00001.

Submissions (2):

Rare Disease Group, Clinical Genetics, Karolinska Institutet
Classification: Likely pathogenic for Lethal short-limb skeletal dysplasia, Al Gazali type. Last evaluated: 2022-10-11. Review status: criteria provided, single submitter. Criteria: ACMG Guidelines, 2015. Collection method: clinical testing. Allele origin: germline. Affected: yes.

Department of Paediatric Medicine, Post Graduation Institute of Medical Education and Research
Classification: Likely pathogenic for Geleophysic dysplasia 1. Last evaluated: 2018-08-23. Review status: criteria provided, single submitter. Criteria: ACMG Guidelines, 2015. Collection method: clinical testing. Allele origin: inherited. Inheritance: Autosomal recessive inheritance. Affected: yes. Observed: 1 variant allele, 1 heterozygote.
Comment: This novel variant was present in compound heterozygous state with another variant. This variant meets the criteria to be classified as likely pathogenic based upon segregation studies, absence from controls and matching with clinical phenotype.